The following is an entry in ClinVar:

NM_000094.4(COL7A1):c.6059C>A (p.Ala2020Asp)

Gene: COL7A1 (collagen type VII alpha 1 chain; minus strand). Cytogenetic location: 3p21.31.
Variant type: single nucleotide variant.
Coding change: c.6059C>A on transcript NM_000094.4 (MANE Select); coding-DNA position 6059, C replaced by A.
Protein change: p.Ala2020Asp; replaces alanine 2020 with aspartic acid.
Molecular consequence: missense variant.
Genome position (GRCh38, 1-based): chr3:48,575,460, G>T on the plus strand (C>A on the coding strand, the complement: COL7A1 is on the minus strand). VCF-style: chr3-48575460-G-T. GRCh37 (hg19) VCF-style: chr3-48612893-G-T.
Other names: short protein forms A2020D.
Identifiers: ClinVar variation 3004071 (VCV003004071.3), dbSNP rs1397446226, ClinGen allele CA352663543.

ClinVar aggregate classification (germline): Uncertain significance (1 of 4 stars; one submission).

Submission:

Labcorp Genetics (formerly Invitae), Labcorp
Classification: Uncertain significance. Last evaluated: 2022-12-03. Review status: criteria provided, single submitter. Criteria: Invitae Variant Classification Sherloc (09022015). Collection method: clinical testing. Allele origin: germline.
Comment: In summary, the available evidence is currently insufficient to determine the role of this variant in disease. Therefore, it has been classified as a Variant of Uncertain Significance. Advanced modeling of protein sequence and biophysical properties (such as structural, functional, and spatial information, amino acid conservation, physicochemical variation, residue mobility, and thermodynamic stability) has been performed at Invitae for this missense variant, however the output from this modeling did not meet the statistical confidence thresholds required to predict the impact of this variant on COL7A1 protein function. This variant has not been reported in the literature in individuals affected with COL7A1-related conditions. This variant is not present in population databases (gnomAD no frequency). This sequence change replaces alanine, which is neutral and non-polar, with aspartic acid, which is acidic and polar, at codon 2020 of the COL7A1 protein (p.Ala2020Asp).